The following is an entry in ClinVar:

NM_022841.7(RFX7):c.4089G>C (p.Gln1363His)

Gene: RFX7 (regulatory factor X7; minus strand). Cytogenetic location: 15q21.3.
Variant type: single nucleotide variant.
Coding change: c.4089G>C on transcript NM_022841.7 (MANE Select); coding-DNA position 4089, G replaced by C.
Protein change: p.Gln1363His; replaces glutamine 1363 with histidine.
Molecular consequence: missense variant.
Genome position (GRCh38, 1-based): chr15:56,093,639, C>G on the plus strand (G>C on the coding strand, the complement: RFX7 is on the minus strand). VCF-style: chr15-56093639-C-G. GRCh37 (hg19) VCF-style: chr15-56385837-C-G.
Other names: c.3798G>C, p.Gln1266His (NM_001368073.2, NM_001368074.1, NM_001370554.1); c.4089G>C, p.Gln1363His (NM_001370561.1); short protein forms Q1363H, Q1266H.
Identifiers: ClinVar variation 1810457 (VCV001810457.1), dbSNP rs2504984716, ClinGen allele CA392575469.

ClinVar aggregate classification (germline): Uncertain significance (1 of 4 stars; one submission).

Submission:

GeneDx
Classification: Uncertain significance. Last evaluated: 2022-07-05. Review status: criteria provided, single submitter. Criteria: GeneDx Variant Classification Process June 2021. Collection method: clinical testing. Allele origin: germline. Affected: yes.
Comment: Not observed at significant frequency in large population cohorts (gnomAD); In silico analysis supports that this missense variant does not alter protein structure/function; Has not been previously published as pathogenic or benign to our knowledge